The following is an entry in ClinVar:

ClinVar aggregate classification (germline): Uncertain significance. Review status: criteria provided, multiple submitters, no conflicts (2 of 4 stars). 2 submissions from 2 submitters: Uncertain significance (2). Last evaluated 2024-05-09.

Conditions:
Lynch syndrome. Identifiers: Orphanet 144, MedGen C4552100, MONDO:0005835. Disease mechanism: loss of function.
Hereditary nonpolyposis colorectal neoplasms. Identifiers: MedGen C0009405, MeSH D003123.

Submissions (2):

All of Us Research Program, National Institutes of Health
Classification: Uncertain significance for Lynch syndrome. Last evaluated: 2024-05-09. Review status: criteria provided, single submitter. Criteria: ACMG Guidelines, 2015. Collection method: clinical testing. Allele origin: germline. Inheritance: Autosomal dominant inheritance. Observed: 1 variant allele, 1 heterozygote.
Comment: This study involves interpretation of variants in research participants for the purpose of population health screening. Participant phenotype was not available at the time of variant classification. Additional details can be found in publication PMID: 35346344, PMCID: PMC8962531

Labcorp Genetics (formerly Invitae), Labcorp
Classification: Uncertain significance for Hereditary nonpolyposis colorectal neoplasms. Last evaluated: 2022-05-01. Review status: criteria provided, single submitter. Criteria: Invitae Variant Classification Sherloc (09022015). Collection method: clinical testing. Allele origin: germline.
Comment: In summary, the available evidence is currently insufficient to determine the role of this variant in disease. Therefore, it has been classified as a Variant of Uncertain Significance. Advanced modeling of protein sequence and biophysical properties (such as structural, functional, and spatial information, amino acid conservation, physicochemical variation, residue mobility, and thermodynamic stability) performed at Invitae indicates that this missense variant is not expected to disrupt MSH6 protein function. This variant has not been reported in the literature in individuals affected with MSH6-related conditions. This variant is not present in population databases (gnomAD no frequency). This sequence change replaces lysine, which is basic and polar, with asparagine, which is neutral and polar, at codon 1315 of the MSH6 protein (p.Lys1315Asn).

NM_000179.3(MSH6):c.3945G>C (p.Lys1315Asn)

Gene: MSH6 (mutS homolog 6; plus strand). Cytogenetic location: 2p16.3.
Variant type: single nucleotide variant.
Coding change: c.3945G>C on transcript NM_000179.3 (MANE Select); coding-DNA position 3945, G replaced by C.
Protein change: p.Lys1315Asn; replaces lysine 1315 with asparagine.
Molecular consequence: missense variant.
Genome position (GRCh38, 1-based): chr2:47,806,595, G>C. VCF-style: chr2-47806595-G-C. GRCh37 (hg19) VCF-style: chr2-48033734-G-C.
Other names: c.3555G>C, p.Lys1185Asn (NM_001281492.2); c.3039G>C, p.Lys1013Asn (NM_001281493.2, NM_001281494.2, NM_001406811.1 and 6 more transcripts); c.4041G>C, p.Lys1347Asn (NM_001406795.1); c.3945G>C, p.Lys1315Asn (NM_001406796.1, NM_001406808.1, NM_001406809.1); c.3648G>C, p.Lys1216Asn (NM_001406797.1, NM_001406801.1, NM_001406805.1 and 10 more transcripts); c.3771G>C, p.Lys1257Asn (NM_001406798.1); c.3420G>C, p.Lys1140Asn (NM_001406799.1, NM_001406806.1, NM_001406807.1); c.3932G>C, p.Arg1311Thr (NM_001406800.1); and 8 more; short protein forms K1185N, K1289N, K1013N, K1027N, K1140N, K630N, K1257N, K1259N.
Identifiers: ClinVar variation 1920889 (VCV001920889.6), dbSNP rs1166381063, ClinGen allele CA346761513.